The following is an entry in ClinVar:

ClinVar aggregate classification (germline): Uncertain significance (1 of 4 stars; one submission).

Conditions:
Exostoses, multiple, type 2 (EXT2). Also called: Hereditary Multiple Osteochondromatosis, Type II; EXOSTOSES, MULTIPLE, TYPE II. Identifiers: Orphanet 321, MedGen C1851413, MONDO:0007586, OMIM 133701.

gnomAD v4.1: 2 of 1,614,210 alleles (0.00012%); no homozygotes.

Submission:

Labcorp Genetics (formerly Invitae), Labcorp
Classification: Uncertain significance for Exostoses, multiple, type 2. Last evaluated: 2024-07-17. Review status: criteria provided, single submitter. Criteria: Invitae Variant Classification Sherloc (09022015). Collection method: clinical testing. Allele origin: germline.
Comment: This sequence change replaces lysine, which is basic and polar, with threonine, which is neutral and polar, at codon 112 of the EXT2 protein (p.Lys112Thr). This variant is present in population databases (no rsID available, gnomAD 0.01%). This variant has not been reported in the literature in individuals affected with EXT2-related conditions. Advanced modeling of protein sequence and biophysical properties (such as structural, functional, and spatial information, amino acid conservation, physicochemical variation, residue mobility, and thermodynamic stability) performed at Invitae indicates that this missense variant is not expected to disrupt EXT2 protein function with a negative predictive value of 80%. In summary, the available evidence is currently insufficient to determine the role of this variant in disease. Therefore, it has been classified as a Variant of Uncertain Significance.

NM_207122.2(EXT2):c.335A>C (p.Lys112Thr)

Gene: EXT2 (exostosin glycosyltransferase 2; plus strand). Cytogenetic location: 11p11.2.
Variant type: single nucleotide variant.
Coding change: c.335A>C on transcript NM_207122.2 (MANE Select); coding-DNA position 335, A replaced by C.
Protein change: p.Lys112Thr; replaces lysine 112 with threonine.
Molecular consequence: missense variant.
Genome position (GRCh38, 1-based): chr11:44,108,047, A>C. VCF-style: chr11-44108047-A-C. GRCh37 (hg19) VCF-style: chr11-44129597-A-C.
Other names: c.434A>C, p.Lys145Thr (NM_000401.3); c.335A>C, p.Lys112Thr (NM_001178083.3, NM_001389628.1, NM_001389630.1); short protein forms K112T, K145T.
Identifiers: ClinVar variation 3628371 (VCV003628371.2).